The following is an entry in ClinVar:

NM_002291.3(LAMB1):c.3481C>T (p.Arg1161Cys)

Gene: LAMB1 (laminin subunit beta 1; minus strand). Cytogenetic location: 7q31.1.
Variant type: single nucleotide variant.
Coding change: c.3481C>T on transcript NM_002291.3 (MANE Select); coding-DNA position 3481, C replaced by T.
Protein change: p.Arg1161Cys; replaces arginine 1161 with cysteine.
Molecular consequence: missense variant.
Genome position (GRCh38, 1-based): chr7:107,940,269, G>A on the plus strand (C>T on the coding strand, the complement: LAMB1 is on the minus strand). VCF-style: chr7-107940269-G-A. GRCh37 (hg19) VCF-style: chr7-107580714-G-A.
Other names: short protein forms R1161C.
Identifiers: ClinVar variation 435718 (VCV000435718.54), dbSNP rs146018013, ClinGen allele CA4435297.

ClinVar aggregate classification (germline): Conflicting classifications of pathogenicity. Review status: criteria provided, conflicting classifications (1 of 4 stars). 4 submissions from 4 submitters: Uncertain significance (3); Benign (1). Last evaluated 2025-10-09.

Allele frequency attached by ClinVar (database versions not stated): ESP Exome Variant Server 0.00008; TOPMed 0.00012; gnomAD 0.00014 and 0.00018; 1000 Genomes Project 30x 0.00016; 1000 Genomes Project 0.00020; gnomAD exomes 0.00045; ExAC 0.00052.
gnomAD v4.1: 384 of 1,614,200 alleles (0.024%); highest among the groups gnomAD compares: Middle Eastern, 0.25%; 5 homozygotes.

Submissions (4):

Women's Health and Genetics/Laboratory Corporation of America, LabCorp
Classification: Uncertain significance. Last evaluated: 2025-10-09. Review status: criteria provided, single submitter. Criteria: LabCorp Variant Classification Summary - May 2015. Collection method: clinical testing. Allele origin: germline.
Comment: Variant summary: LAMB1 c.3481C>T (p.Arg1161Cys) results in a non-conservative amino acid change in the encoded protein sequence. Algorithms developed to predict the effect of missense changes on protein structure and function all suggest that this variant is likely to be disruptive. The variant allele was found at a frequency of 0.00045 in 251396 control chromosomes in the gnomAD database, including 2 homozygotes. This frequency is not significantly higher than estimated for disease-causing variants in LAMB1, allowing no conclusion about variant significance. To our knowledge, no occurrence of c.3481C>T in individuals affected with LAMB1-related conditions and no experimental evidence demonstrating its impact on protein function have been reported. ClinVar contains an entry for this variant (Variation ID: 435718). Based on the evidence outlined above, the variant was classified as uncertain significance.

Labcorp Genetics (formerly Invitae), Labcorp
Classification: Benign. Last evaluated: 2025-08-11. Review status: criteria provided, single submitter. Criteria: Invitae Variant Classification Sherloc (09022015). Collection method: clinical testing. Allele origin: germline.

CeGaT Center for Human Genetics Tuebingen
Classification: Uncertain significance. Last evaluated: 2019-01-01. Review status: criteria provided, single submitter. Criteria: CeGaT Center For Human Genetics Tuebingen Variant Classification Criteria Version 2. Collection method: clinical testing. Allele origin: germline. Affected: yes. Observed: 1 variant allele.

Genetic Services Laboratory, University of Chicago
Classification: Uncertain significance. Last evaluated: 2016-02-03. Review status: criteria provided, single submitter. Criteria: ACMG Guidelines, 2015. Collection method: clinical testing. Allele origin: germline. Affected: no.